The following is an entry in ClinVar:

NM_001040142.2(SCN2A):c.4912C>A (p.Arg1638Ser)

Gene: SCN2A (sodium voltage-gated channel alpha subunit 2; plus strand). Cytogenetic location: 2q24.3.
Variant type: single nucleotide variant.
Coding change: c.4912C>A on transcript NM_001040142.2 (MANE Select); coding-DNA position 4912, C replaced by A.
Protein change: p.Arg1638Ser; replaces arginine 1638 with serine.
Molecular consequence: missense variant.
Genome position (GRCh38, 1-based): chr2:165,388,718, C>A. VCF-style: chr2-165388718-C-A. GRCh37 (hg19) VCF-style: chr2-166245228-C-A.
Other names: c.4912C>A, p.Arg1638Ser (NM_001040143.2, NM_001371246.1, NM_001371247.1 and 1 more transcripts); short protein forms R1638S.
Identifiers: ClinVar variation 1449750 (VCV001449750.6), dbSNP rs1702006147, ClinGen allele CA349037772.

ClinVar aggregate classification (germline): Uncertain significance (1 of 4 stars; one submission).

Conditions:
Developmental and epileptic encephalopathy, 11 (DEE11). Also called: Early infantile epileptic encephalopathy 11. Identifiers: Orphanet 1934, MedGen C3150987, MONDO:0013388, OMIM 613721.
Seizures, benign familial infantile, 3 (BFIS3). Also called: CONVULSIONS, BENIGN FAMILIAL INFANTILE, 3; Familial neonatal seizures. Identifiers: Orphanet 140927, Orphanet 306, MedGen C1843140, MONDO:0011904, OMIM 607745.

Submission:

Labcorp Genetics (formerly Invitae), Labcorp
Classification: Uncertain significance for Seizures, benign familial infantile, 3; Developmental and epileptic encephalopathy, 11. Last evaluated: 2023-07-17. Review status: criteria provided, single submitter. Criteria: Invitae Variant Classification Sherloc (09022015). Collection method: clinical testing. Allele origin: germline.
Comment: In summary, the available evidence is currently insufficient to determine the role of this variant in disease. Therefore, it has been classified as a Variant of Uncertain Significance. Advanced modeling of protein sequence and biophysical properties (such as structural, functional, and spatial information, amino acid conservation, physicochemical variation, residue mobility, and thermodynamic stability) performed at Invitae indicates that this missense variant is expected to disrupt SCN2A protein function. ClinVar contains an entry for this variant (Variation ID: 1449750). This variant has not been reported in the literature in individuals affected with SCN2A-related conditions. This variant is not present in population databases (gnomAD no frequency). This sequence change replaces arginine, which is basic and polar, with serine, which is neutral and polar, at codon 1638 of the SCN2A protein (p.Arg1638Ser).